The following is an entry in ClinVar:

NM_002427.4(MMP13):c.336A>T (p.Lys112Asn)

Genes: MMP13 (matrix metallopeptidase 13; minus strand), LOC126861318 (BRD4-independent group 4 enhancer GRCh37_chr11:102825894-102827093; plus strand). Cytogenetic location: 11q22.2.
Variant type: single nucleotide variant.
Coding change: c.336A>T on transcript NM_002427.4 (MANE Select); coding-DNA position 336, A replaced by T.
Protein change: p.Lys112Asn; replaces lysine 112 with asparagine.
Molecular consequence: missense variant.
Genome position (GRCh38, 1-based): chr11:102,955,278, T>A on the plus strand (A>T on the coding strand, the complement: MMP13 is on the minus strand). VCF-style: chr11-102955278-T-A. GRCh37 (hg19) VCF-style: chr11-102826007-T-A.
Other names: short protein forms K112N.
Identifiers: ClinVar variation 3611927 (VCV003611927.3).

ClinVar aggregate classification (germline): Uncertain significance. Review status: criteria provided, multiple submitters, no conflicts (2 of 4 stars). 2 submissions from 2 submitters: Uncertain significance (2). Last evaluated 2024-08-02.

Submissions (2):

Blueprint Genetics
Classification: Uncertain significance. Last evaluated: 2024-08-02. Review status: criteria provided, single submitter. Criteria: ACMG Guidelines, 2015. Collection method: clinical testing. Allele origin: germline.

Labcorp Genetics (formerly Invitae), Labcorp
Classification: Uncertain significance. Last evaluated: 2024-02-17. Review status: criteria provided, single submitter. Criteria: Invitae Variant Classification Sherloc (09022015). Collection method: clinical testing. Allele origin: germline.
Comment: This sequence change replaces lysine, which is basic and polar, with asparagine, which is neutral and polar, at codon 112 of the MMP13 protein (p.Lys112Asn). This variant is not present in population databases (gnomAD no frequency). This variant has not been reported in the literature in individuals affected with MMP13-related conditions. Advanced modeling of protein sequence and biophysical properties (such as structural, functional, and spatial information, amino acid conservation, physicochemical variation, residue mobility, and thermodynamic stability) performed at Invitae indicates that this missense variant is expected to disrupt MMP13 protein function with a positive predictive value of 80%. In summary, the available evidence is currently insufficient to determine the role of this variant in disease. Therefore, it has been classified as a Variant of Uncertain Significance.